The following is an entry in ClinVar:

NM_000137.4(FAH):c.870C>T (p.Asp290=)

Gene: FAH (fumarylacetoacetate hydrolase; plus strand). Cytogenetic location: 15q25.1.
Variant type: single nucleotide variant.
Coding change: c.870C>T on transcript NM_000137.4 (MANE Select); coding-DNA position 870, C replaced by T.
Protein change: p.Asp290=; no amino-acid change (aspartic acid 290 retained).
Molecular consequence: synonymous variant.
Genome position (GRCh38, 1-based): chr15:80,175,048, C>T. VCF-style: chr15-80175048-C-T. GRCh37 (hg19) VCF-style: chr15-80467390-C-T.
Other names: c.870C>T, p.Asp290= (NM_001374377.1, NM_001374380.1).
Identifiers: ClinVar variation 385165 (VCV000385165.21), dbSNP rs377480457, ClinGen allele CA7691381.

ClinVar aggregate classification (germline): Conflicting classifications of pathogenicity. Review status: criteria provided, conflicting classifications (1 of 4 stars). 6 submissions from 6 submitters: Uncertain significance (1); Benign (1); Likely benign (2). 2 of the submissions do not count toward it. Last evaluated 2026-01-24.

Conditions:
FAH-related disorder. Also called: FAH-related condition.
Tyrosinemia type I (TYRSN1). Also called: Tyrosinemia type 1; Fumarylacetoacetase deficiency; Deficiency of fumarylacetoacetase; FAH DEFICIENCY; HEPATORENAL TYROSINEMIA. Identifiers: Orphanet 882, MedGen C0268490, MONDO:0010161, OMIM 276700. Disease mechanism: loss of function.

Allele frequency attached by ClinVar (database versions not stated): gnomAD 0.00011 and 0.00009; TOPMed 0.00014; ExAC 0.00031; gnomAD exomes 0.00031; ESP Exome Variant Server 0.00008.
gnomAD v4.1: 174 of 1,613,938 alleles (0.011%); highest among the groups gnomAD compares: Admixed American, 0.14%; 1 homozygote.

Submissions (6):

Labcorp Genetics (formerly Invitae), Labcorp
Classification: Benign for Tyrosinemia type I. Last evaluated: 2026-01-24. Review status: criteria provided, single submitter. Criteria: Invitae Variant Classification Sherloc (09022015). Collection method: clinical testing. Allele origin: germline.

Blueprint Genetics
Classification: Likely benign. Last evaluated: 2024-09-12. Review status: criteria provided, single submitter. Criteria: ACMG Guidelines, 2015. Collection method: clinical testing. Allele origin: germline.

Eurofins Ntd Llc (ga)
Classification: Uncertain significance. Last evaluated: 2017-10-26. Review status: criteria provided, single submitter. Criteria: EGL Classification Definitions 2015. Collection method: clinical testing. Allele origin: germline. Observed: 2 variant alleles, 2 heterozygotes.

GeneDx
Classification: Likely benign. Last evaluated: 2016-04-08. Review status: criteria provided, single submitter. Criteria: GeneDx Variant Classification (06012015). Collection method: clinical testing. Allele origin: germline. Affected: yes.
Comment: This variant is considered likely benign or benign based on one or more of the following criteria: it is a conservative change, it occurs at a poorly conserved position in the protein, it is predicted to be benign by multiple in silico algorithms, and/or has population frequency not consistent with disease.

PreventionGenetics, part of Exact Sciences
Classification: Likely benign for FAH-related condition. Last evaluated: 2023-02-09. Review status: no assertion criteria provided. Collection method: clinical testing. Allele origin: germline. Not counted in ClinVar's aggregate classification.
Comment: This variant is classified as likely benign based on ACMG/AMP sequence variant interpretation guidelines (Richards et al. 2015 PMID: 25741868, with internal and published modifications).

Natera, Inc.
Classification: Benign for Tyrosinemia type I. Last evaluated: 2019-06-21. Review status: no assertion criteria provided. Collection method: clinical testing. Allele origin: germline. Not counted in ClinVar's aggregate classification.